The following is an entry in ClinVar:

ClinVar aggregate classification (germline): Benign. Review status: criteria provided, multiple submitters, no conflicts (2 of 4 stars). 2 submissions from 2 submitters: Benign (2). Last evaluated 2018-06-14.

Allele frequency attached by ClinVar (database versions not stated): 1000 Genomes Project 30x 0.13601; 1000 Genomes Project 0.13638; gnomAD 0.18067 and 0.18180; TOPMed 0.18134.
gnomAD v4.1: 27,486 of 152,050 alleles (18%); highest among the groups gnomAD compares: Middle Eastern, 27%; 2,802 homozygotes.

Submissions (2):

GeneDx
Classification: Benign. Last evaluated: 2018-06-14. Review status: criteria provided, single submitter. Criteria: GeneDx Variant Classification (06012015). Collection method: clinical testing. Allele origin: germline. Affected: yes.
Comment: This variant is considered likely benign or benign based on one or more of the following criteria: it is a conservative change, it occurs at a poorly conserved position in the protein, it is predicted to be benign by multiple in silico algorithms, and/or has population frequency not consistent with disease.

Breakthrough Genomics
Classification: Benign. Review status: criteria provided, single submitter. Criteria: ACMG Guidelines, 2015. Collection method: not provided. Allele origin: germline. Inheritance: Autosomal recessive inheritance. Affected: yes.

NM_015340.4(LARS2):c.364-223C>T

Gene: LARS2 (leucyl-tRNA synthetase 2, mitochondrial; plus strand). Cytogenetic location: 3p21.31.
Variant type: single nucleotide variant.
Coding change: c.364-223C>T on transcript NM_015340.4 (MANE Select); 223 bases into the intron before coding-DNA position 364, C replaced by T.
Molecular consequence: intron variant.
Genome position (GRCh38, 1-based): chr3:45,417,259, C>T. VCF-style: chr3-45417259-C-T. GRCh37 (hg19) VCF-style: chr3-45458751-C-T.
Other names: c.364-223C>T (NM_001368263.1).
Identifiers: ClinVar variation 669493 (VCV000669493.2), dbSNP rs73070309, ClinGen allele CA11499200.